The following is an entry in ClinVar:

NM_015909.4(NBAS):c.4520del (p.Leu1507fs)

Gene: NBAS (NBAS subunit of NRZ tethering complex; minus strand). Cytogenetic location: 2p24.3.
Variant type: Deletion.
Coding change: c.4520del on transcript NM_015909.4 (MANE Select); coding-DNA position 4520, one base deleted (T; older notation c.4520delT).
Protein change: p.Leu1507fs; shifts the reading frame from leucine 1507.
Molecular consequence: frameshift variant. On other transcripts: non-coding transcript variant (1).
Genome position (GRCh38, 1-based): chr2:15,327,812, A deleted on the plus strand (T on the coding strand, the reverse complement: NBAS is on the minus strand); the first of 2 consecutive A bases (chr2:15,327,812-15,327,813); deleting either gives the same sequence. VCF-style (leftmost placement, unchanged base first): chr2-15327811-CA-C. GRCh37 (hg19) VCF-style: chr2-15467935-CA-C.
Other names: short protein forms L1507fs.
Identifiers: ClinVar variation 1804805 (VCV001804805.6), dbSNP rs1355806716, ClinGen allele CA531029404.

ClinVar aggregate classification (germline): Pathogenic/Likely pathogenic. Review status: criteria provided, multiple submitters, no conflicts (2 of 4 stars). 2 submissions from 2 submitters: Pathogenic (1); Likely pathogenic (1). Last evaluated 2022-11-09.

Conditions:
Acute infantile liver failure due to synthesis defect of mtDNA-encoded proteins. Also called: LIVER FAILURE, INFANTILE, TRANSIENT; Liver failure acute infantile; TRMU Deficiency. Identifiers: Orphanet 217371, MedGen C3278664, MONDO:0013111, OMIM 613070.

Submissions (2):

Women's Health and Genetics/Laboratory Corporation of America, LabCorp
Classification: Likely pathogenic for Acute infantile liver failure due to synthesis defect of mtDNA-encoded proteins. Last evaluated: 2022-11-09. Review status: criteria provided, single submitter. Criteria: LabCorp Variant Classification Summary - May 2015. Collection method: clinical testing. Allele origin: germline.
Comment: Variant summary: NBAS c.4520delT (p.Leu1507CysfsX2) results in a premature termination codon, predicted to cause a truncation of the encoded protein or absence of the protein due to nonsense mediated decay, which are commonly known mechanisms for disease. Truncations downstream of this position have been classified as pathogenic by our laboratory and in ClinVar. The variant allele was found at a frequency of 4e-06 in 251028 control chromosomes (gnomAD). To our knowledge, no occurrence of c.4520delT in individuals affected with Liver Failure Acute Infantile, Type 2 and no experimental evidence demonstrating its impact on protein function have been reported. No clinical diagnostic laboratories have submitted clinical-significance assessments for this variant to ClinVar after 2014. Based on the evidence outlined above, the variant was classified as likely pathogenic.

Labcorp Genetics (formerly Invitae), Labcorp
Classification: Pathogenic. Last evaluated: 2022-06-14. Review status: criteria provided, single submitter. Criteria: Invitae Variant Classification Sherloc (09022015). Collection method: clinical testing. Allele origin: germline.
Comment: For these reasons, this variant has been classified as Pathogenic. This variant has not been reported in the literature in individuals affected with NBAS-related conditions. This variant is present in population databases (no rsID available, gnomAD 0.003%). This sequence change creates a premature translational stop signal (p.Leu1507Cysfs*2) in the NBAS gene. It is expected to result in an absent or disrupted protein product. Loss-of-function variants in NBAS are known to be pathogenic (PMID: 26073778, 26541327, 27789416, 28031453).

Literature cited by the submitters: PubMed 26073778 (cited by Labcorp Genetics (formerly Invitae), Labcorp); PubMed 26541327 (cited by Labcorp Genetics (formerly Invitae), Labcorp); PubMed 27789416 (cited by Labcorp Genetics (formerly Invitae), Labcorp); PubMed 28031453 (cited by Labcorp Genetics (formerly Invitae), Labcorp).